The following is an entry in ClinVar:

NM_152296.5(ATP1A3):c.752C>T (p.Thr251Met)

Gene: ATP1A3 (ATPase Na+/K+ transporting subunit alpha 3; minus strand). Cytogenetic location: 19q13.2.
Variant type: single nucleotide variant.
Coding change: c.752C>T on transcript NM_152296.5 (MANE Select); coding-DNA position 752, C replaced by T.
Protein change: p.Thr251Met; replaces threonine 251 with methionine.
Molecular consequence: missense variant.
Genome position (GRCh38, 1-based): chr19:41,985,159, G>A on the plus strand (C>T on the coding strand, the complement: ATP1A3 is on the minus strand). VCF-style: chr19-41985159-G-A. GRCh37 (hg19) VCF-style: chr19-42489311-G-A.
Other names: c.785C>T, p.Thr262Met (NM_001256213.2); c.791C>T, p.Thr264Met (NM_001256214.2); short protein forms T251M, T264M, T262M.
Identifiers: ClinVar variation 4765642 (VCV004765642.1).

ClinVar aggregate classification (germline): Uncertain significance (1 of 4 stars; one submission).

Conditions:
Dystonia 12 (DYT12). Also called: DYT-ATP1A3; Rapid-Onset Dystonia-Parkinsonism (RDP). Identifiers: Orphanet 71517, MedGen C1868681, MONDO:0007496, OMIM 128235.

gnomAD v4.1: 5 of 1,613,282 alleles (0.00031%); highest among the groups gnomAD compares: Non-Finnish European, 0.00042%; no homozygotes.

Submission:

Labcorp Genetics (formerly Invitae), Labcorp
Classification: Uncertain significance for Dystonia 12. Last evaluated: 2025-05-10. Review status: criteria provided, single submitter. Criteria: Invitae Variant Classification Sherloc (09022015). Collection method: clinical testing. Allele origin: germline.
Comment: This sequence change replaces threonine, which is neutral and polar, with methionine, which is neutral and non-polar, at codon 251 of the ATP1A3 protein (p.Thr251Met). This variant is not present in population databases (gnomAD no frequency). This variant has not been reported in the literature in individuals affected with ATP1A3-related conditions. Invitae Evidence Modeling of protein sequence and biophysical properties (such as structural, functional, and spatial information, amino acid conservation, physicochemical variation, residue mobility, and thermodynamic stability) indicates that this missense variant is expected to disrupt ATP1A3 protein function with a positive predictive value of 95%. In summary, the available evidence is currently insufficient to determine the role of this variant in disease. Therefore, it has been classified as a Variant of Uncertain Significance.